The following is an entry in ClinVar:

NM_001369.3(DNAH5):c.2159A>G (p.Glu720Gly)

Genes: DNAH5 (dynein axonemal heavy chain 5; minus strand), DNAH5-AS1 (DNAH5 antisense RNA 1; plus strand). Cytogenetic location: 5p15.2.
Variant type: single nucleotide variant.
Coding change: c.2159A>G on transcript NM_001369.3 (MANE Select); coding-DNA position 2159, A replaced by G.
Protein change: p.Glu720Gly; replaces glutamic acid 720 with glycine.
Molecular consequence: missense variant. On other transcripts: non-coding transcript variant (1).
Genome position (GRCh38, 1-based): chr5:13,900,306, T>C on the plus strand (A>G on the coding strand, the complement: DNAH5 is on the minus strand). VCF-style: chr5-13900306-T-C. GRCh37 (hg19) VCF-style: chr5-13900415-T-C.
Other names: short protein forms E720G.
Identifiers: ClinVar variation 4869956 (VCV004869956.1).

ClinVar aggregate classification (germline): Uncertain significance (1 of 4 stars; one submission).

Conditions:
Primary ciliary dyskinesia. Also called: Ciliary dyskinesia. Identifiers: Orphanet 244, MedGen C0008780, MONDO:0016575, HP:0012265.

gnomAD v4.1: 2 of 1,614,158 alleles (0.00012%); highest among the groups gnomAD compares: East Asian, 0.0045%; no homozygotes.

Submission:

Ambry Genetics
Classification: Uncertain significance for Primary ciliary dyskinesia. Last evaluated: 2026-04-09. Review status: criteria provided, single submitter. Criteria: Ambry Variant Classification Scheme 2023. Collection method: clinical testing. Allele origin: germline.
Comment: The p.E720G variant (also known as c.2159A>G), located in coding exon 15 of the DNAH5 gene, results from an A to G substitution at nucleotide position 2159. The glutamic acid at codon 720 is replaced by glycine, an amino acid with similar properties. This amino acid position is conserved. In addition, this alteration is predicted to be deleterious by in silico analysis. Based on the available evidence, the clinical significance of this variant remains unclear.